The following is an entry in ClinVar:

NM_002519.3(NPAT):c.2484G>C (p.Gln828His)

Gene: NPAT (nuclear protein, coactivator of histone transcription; minus strand). Cytogenetic location: 11q22.3.
Variant type: single nucleotide variant.
Coding change: c.2484G>C on transcript NM_002519.3 (MANE Select); coding-DNA position 2484, G replaced by C.
Protein change: p.Gln828His; replaces glutamine 828 with histidine.
Molecular consequence: missense variant.
Genome position (GRCh38, 1-based): chr11:108,172,500, C>G on the plus strand (G>C on the coding strand, the complement: NPAT is on the minus strand). VCF-style: chr11-108172500-C-G. GRCh37 (hg19) VCF-style: chr11-108043227-C-G.
Other names: c.2484G>C, p.Gln828His (NM_001321307.1); short protein forms Q828H.
Identifiers: ClinVar variation 2567974 (VCV002567974.2), dbSNP rs749437541, ClinGen allele CA382512882.

ClinVar aggregate classification (germline): Uncertain significance (1 of 4 stars; one submission).

Submission:

Ambry Genetics
Classification: Uncertain significance. Last evaluated: 2023-04-13. Review status: criteria provided, single submitter. Criteria: Ambry Variant Classification Scheme 2023. Collection method: clinical testing. Allele origin: germline.
Comment: The p.Q828H variant (also known as c.2484G>C), located in coding exon 13 of the NPAT gene, results from a G to C substitution at nucleotide position 2484. The glutamine at codon 828 is replaced by histidine, an amino acid with highly similar properties. This amino acid position is conserved. In addition, this alteration is predicted to be tolerated by in silico analysis. Since supporting evidence is limited at this time, the clinical significance of this alteration remains unclear.